The following is an entry in ClinVar:

NM_002471.4(MYH6):c.2249C>T (p.Ser750Phe)

Gene: MYH6 (myosin heavy chain 6; minus strand). Cytogenetic location: 14q11.2.
Variant type: single nucleotide variant.
Coding change: c.2249C>T on transcript NM_002471.4 (MANE Select); coding-DNA position 2249, C replaced by T.
Protein change: p.Ser750Phe; replaces serine 750 with phenylalanine.
Molecular consequence: missense variant.
Genome position (GRCh38, 1-based): chr14:23,396,737, G>A on the plus strand (C>T on the coding strand, the complement: MYH6 is on the minus strand). VCF-style: chr14-23396737-G-A. GRCh37 (hg19) VCF-style: chr14-23865946-G-A.
Other names: short protein forms S750F.
Identifiers: ClinVar variation 1788380 (VCV001788380.2), dbSNP rs1192081784, ClinGen allele CA389016874.

ClinVar aggregate classification (germline): Uncertain significance (1 of 4 stars; one submission).

Conditions:
Cardiovascular phenotype. Identifiers: MedGen CN230736.

Allele frequency attached by ClinVar (database versions not stated): gnomAD 0.00001.
gnomAD v4.1: 1 of 1,613,874 alleles (0.000062%); highest among the groups gnomAD compares: African/African-American, 0.0013%; no homozygotes.

Submission:

Ambry Genetics
Classification: Uncertain significance for Cardiovascular phenotype. Last evaluated: 2022-04-25. Review status: criteria provided, single submitter. Criteria: Ambry Variant Classification Scheme 2023. Collection method: clinical testing. Allele origin: germline.
Comment: The p.S750F variant (also known as c.2249C>T), located in coding exon 17 of the MYH6 gene, results from a C to T substitution at nucleotide position 2249. The serine at codon 750 is replaced by phenylalanine, an amino acid with highly dissimilar properties. This amino acid position is conserved. In addition, this alteration is predicted to be deleterious by in silico analysis. Since supporting evidence is limited at this time, the clinical significance of this alteration remains unclear.